The following is an entry in ClinVar:

ClinVar aggregate classification (germline): Uncertain significance. Review status: criteria provided, multiple submitters, no conflicts (2 of 4 stars). 2 submissions from 2 submitters: Uncertain significance (2). Last evaluated 2024-02-20.

Conditions:
Bartter disease type 3. Also called: Bartter syndrome type 3. Identifiers: Orphanet 112, Orphanet 93605, MedGen C1846343, MONDO:0011822, OMIM 607364.
Bartter disease type 4B. Also called: BARTTER SYNDROME, TYPE 4B; BARTTER SYNDROME, TYPE 4B, NEONATAL, WITH SENSORINEURAL DEAFNESS; Bartter syndrome, type 4b, digenic. Identifiers: Orphanet 112, MedGen C4310805, MONDO:0000909, OMIM 613090.

Allele frequency attached by ClinVar (database versions not stated): gnomAD 0.00004; gnomAD exomes 0.00005; TOPMed 0.00006; ExAC 0.00009.

Submissions (2):

Fulgent Genetics
Classification: Uncertain significance for Bartter disease type 3; Bartter disease type 4B. Last evaluated: 2024-02-20. Review status: criteria provided, single submitter. Criteria: ACMG Guidelines, 2015. Collection method: clinical testing. Allele origin: germline.

Labcorp Genetics (formerly Invitae), Labcorp
Classification: Uncertain significance. Last evaluated: 2022-05-27. Review status: criteria provided, single submitter. Criteria: Invitae Variant Classification Sherloc (09022015). Collection method: clinical testing. Allele origin: germline.
Comment: This sequence change replaces threonine, which is neutral and polar, with methionine, which is neutral and non-polar, at codon 659 of the CLCNKB protein (p.Thr659Met). This variant is present in population databases (rs757742794, gnomAD 0.1%). This missense change has been observed in individual(s) with CLCNKB-related conditions (PMID: 28381550). Advanced modeling of protein sequence and biophysical properties (such as structural, functional, and spatial information, amino acid conservation, physicochemical variation, residue mobility, and thermodynamic stability) performed at Invitae indicates that this missense variant is expected to disrupt CLCNKB protein function. In summary, the available evidence is currently insufficient to determine the role of this variant in disease. Therefore, it has been classified as a Variant of Uncertain Significance.

Literature cited by the submitters: PubMed 28381550 (cited by Labcorp Genetics (formerly Invitae), Labcorp).

NM_000085.5(CLCNKB):c.1976C>T (p.Thr659Met)

Genes: CLCNKB (chloride voltage-gated channel Kb; plus strand), LOC106501713 (CLCNKB recombination region; plus strand). Cytogenetic location: 1p36.13.
Variant type: single nucleotide variant.
Coding change: c.1976C>T on transcript NM_000085.5 (MANE Select); coding-DNA position 1976, C replaced by T.
Protein change: p.Thr659Met; replaces threonine 659 with methionine.
Molecular consequence: missense variant.
Genome position (GRCh38, 1-based): chr1:16,056,468, C>T. VCF-style: chr1-16056468-C-T. GRCh37 (hg19) VCF-style: chr1-16382963-C-T.
Other names: c.1466C>T, p.Thr489Met (NM_001165945.2); short protein forms T489M, T659M.
Identifiers: ClinVar variation 2147800 (VCV002147800.2), dbSNP rs757742794, ClinGen allele CA624115.